The following is an entry in ClinVar:

NM_025233.7(COASY):c.734C>T (p.Thr245Ile)

Gene: COASY (Coenzyme A synthase; plus strand). Cytogenetic location: 17q21.2.
Variant type: single nucleotide variant.
Coding change: c.734C>T on transcript NM_025233.7 (MANE Select); coding-DNA position 734, C replaced by T.
Protein change: p.Thr245Ile; replaces threonine 245 with isoleucine.
Molecular consequence: missense variant.
Genome position (GRCh38, 1-based): chr17:42,563,994, C>T. VCF-style: chr17-42563994-C-T. GRCh37 (hg19) VCF-style: chr17-40716012-C-T.
Other names: c.734C>T, p.Thr245Ile (NM_001042529.3); c.821C>T, p.Thr274Ile (NM_001042532.4); short protein forms T245I, T274I.
Identifiers: ClinVar variation 3375920 (VCV003375920.1).
Genomic context (GRCh38, chr17:42,563,994, plus strand): 5'-CACTGTTCTTCTGGGCTCCTTCCCCAGGCAAGTTGCTCCCTGAGCTGCTCCAACCTTATA[C>T]AGAACGTGTGGAACATCTGAGTGAATTCCTGGTGGACATCAAGCCCTCCTTGACTTTTGA-3'
Protein context (NP_079509.5, residues 235-255): KLLPELLQPY[Thr245Ile]ERVEHLSEFL

ClinVar aggregate classification (germline): Uncertain significance (1 of 4 stars; one submission).

gnomAD v4.1: 22 of 1,613,614 alleles (0.0014%); highest among the groups gnomAD compares: Non-Finnish European, 0.0016%; no homozygotes.

Submission:

GeneDx
Classification: Uncertain significance. Last evaluated: 2024-05-05. Review status: criteria provided, single submitter. Criteria: GeneDx Variant Classification Process June 2021. Collection method: clinical testing. Allele origin: germline. Affected: yes.
Comment: Not observed at significant frequency in large population cohorts (gnomAD); In silico analysis indicates that this missense variant does not alter protein structure/function; Has not been previously published as pathogenic or benign to our knowledge